The following is an entry in ClinVar:

NM_173598.6(KSR2):c.2532A>G (p.Thr844=)

Gene: KSR2 (kinase suppressor of ras 2; minus strand). Cytogenetic location: 12q24.22.
Variant type: single nucleotide variant.
Coding change: c.2532A>G on transcript NM_173598.6 (MANE Select); coding-DNA position 2532, A replaced by G.
Protein change: p.Thr844=; no amino-acid change (threonine 844 retained).
Molecular consequence: synonymous variant.
Genome position (GRCh38, 1-based): chr12:117,476,514, T>C on the plus strand (A>G on the coding strand, the complement: KSR2 is on the minus strand). VCF-style: chr12-117476514-T-C. GRCh37 (hg19) VCF-style: chr12-117914319-T-C.
Other names: c.2445A>G (NM_173598.4).
Identifiers: ClinVar variation 2888877 (VCV002888877.5), dbSNP rs565850047, ClinGen allele CA6815691.
Genomic context (GRCh38, chr12:117,476,514, plus strand): 5'-GCCCACTTACCCAAGGGCAAAGACGTCAGAGTGCTTGGAGAAGGGGAGCTTATCCTCCTC[T>C]GTGTCGGGGGACAGCTGGCGGATGATCTCTGGTGCCAGGTGGCATAGCCAGCCATTCTGG-3'
Protein context (NP_775869.4, residues 834-854): PEIIRQLSPD[Thr844=]EEDKLPFSKH

ClinVar aggregate classification (germline): Likely benign. Review status: criteria provided, single submitter (1 of 4 stars). 2 submissions from 2 submitters: Likely benign (1). 1 of the submissions does not count toward it. Last evaluated 2025-08-21.

Conditions:
KSR2-related disorder. Also called: KSR2-related condition.

Allele frequency attached by ClinVar (database versions not stated): gnomAD 0.00001; TOPMed 0.00004; 1000 Genomes Project 30x 0.00016; 1000 Genomes Project 0.00020; gnomAD exomes 0.00002; ExAC 0.00008.
gnomAD v4.1: 27 of 1,608,650 alleles (0.0017%); highest among the groups gnomAD compares: Admixed American, 0.034%; no homozygotes.

Submissions (2):

Labcorp Genetics (formerly Invitae), Labcorp
Classification: Likely benign. Last evaluated: 2025-08-21. Review status: criteria provided, single submitter. Criteria: Invitae Variant Classification Sherloc (09022015). Collection method: clinical testing. Allele origin: germline.

PreventionGenetics, part of Exact Sciences
Classification: Likely benign for KSR2-related condition. Last evaluated: 2021-02-08. Review status: no assertion criteria provided. Collection method: clinical testing. Allele origin: germline. Not counted in ClinVar's aggregate classification.
Comment: This variant is classified as likely benign based on ACMG/AMP sequence variant interpretation guidelines (Richards et al. 2015 PMID: 25741868, with internal and published modifications).